The following is an entry in ClinVar:

NM_001384317.1(ZHX3):c.2033A>G (p.Asn678Ser)

Gene: ZHX3 (zinc fingers and homeoboxes 3; minus strand). Cytogenetic location: 20q12.
Variant type: single nucleotide variant.
Coding change: c.2033A>G on transcript NM_001384317.1 (MANE Select); coding-DNA position 2033, A replaced by G.
Protein change: p.Asn678Ser; replaces asparagine 678 with serine.
Molecular consequence: missense variant.
Genome position (GRCh38, 1-based): chr20:41,202,884, T>C on the plus strand (A>G on the coding strand, the complement: ZHX3 is on the minus strand). VCF-style: chr20-41202884-T-C. GRCh37 (hg19) VCF-style: chr20-39831524-T-C.
Other names: c.2033A>G (NM_015035.3); c.2033A>G, p.Asn678Ser (NM_001384315.1, NM_001384316.1, NM_001384318.1 and 8 more transcripts); short protein forms N678S.
Identifiers: ClinVar variation 1466066 (VCV001466066.7), dbSNP rs771995478, ClinGen allele CA9859848.

ClinVar aggregate classification (germline): Uncertain significance. Review status: criteria provided, multiple submitters, no conflicts (2 of 4 stars). 2 submissions from 2 submitters: Uncertain significance (2). Last evaluated 2025-10-30.

Allele frequency attached by ClinVar (database versions not stated): gnomAD exomes below 0.00001; ExAC 0.00001; gnomAD 0.00001; TOPMed 0.00001.
gnomAD v4.1: 8 of 1,614,064 alleles (0.0005%); highest among the groups gnomAD compares: Middle Eastern, 0.016%; no homozygotes.

Submissions (2):

Ambry Genetics
Classification: Uncertain significance. Last evaluated: 2025-10-30. Review status: criteria provided, single submitter. Criteria: Ambry Variant Classification Scheme 2023. Collection method: clinical testing. Allele origin: germline.

Labcorp Genetics (formerly Invitae), Labcorp
Classification: Uncertain significance. Last evaluated: 2022-07-01. Review status: criteria provided, single submitter. Criteria: Invitae Variant Classification Sherloc (09022015). Collection method: clinical testing. Allele origin: germline.
Comment: In summary, the available evidence is currently insufficient to determine the role of this variant in disease. Therefore, it has been classified as a Variant of Uncertain Significance. Algorithms developed to predict the effect of missense changes on protein structure and function output the following: SIFT: "Tolerated"; PolyPhen-2: "Benign"; Align-GVGD: "Class C0". The serine amino acid residue is found in multiple mammalian species, which suggests that this missense change does not adversely affect protein function. ClinVar contains an entry for this variant (Variation ID: 1466066). This variant has not been reported in the literature in individuals affected with ZHX3-related conditions. This variant is present in population databases (rs771995478, gnomAD 0.0009%). This sequence change replaces asparagine, which is neutral and polar, with serine, which is neutral and polar, at codon 678 of the ZHX3 protein (p.Asn678Ser).